The following is an entry in ClinVar:

ClinVar aggregate classification (germline): Uncertain significance. Review status: criteria provided, single submitter (1 of 4 stars). 2 submissions from 2 submitters: Uncertain significance (1). 1 of the submissions does not count toward it. Last evaluated 2018-04-20.

Conditions:
GPBAR1-related disorder. Also called: GPBAR1-related condition.

Allele frequency attached by ClinVar (database versions not stated): gnomAD 0.00003; gnomAD exomes 0.00003 and 0.00005; TOPMed 0.00003; ExAC 0.00005.

Submissions (2):

Eurofins Ntd Llc (ga)
Classification: Uncertain significance. Last evaluated: 2018-04-20. Review status: criteria provided, single submitter. Criteria: EGL ClinVar v180209 classification definitions. Collection method: clinical testing. Allele origin: germline. Observed: 2 variant alleles, 2 heterozygotes.

PreventionGenetics, part of Exact Sciences
Classification: Uncertain significance for GPBAR1-related condition. Last evaluated: 2023-11-30. Review status: no assertion criteria provided. Collection method: clinical testing. Allele origin: germline. Not counted in ClinVar's aggregate classification.
Comment: The GPBAR1 c.602G>A variant is predicted to result in the amino acid substitution p.Arg201Gln. To our knowledge, this variant has not been reported in the literature. This variant is reported in 0.023% of alleles in individuals of East Asian descent in gnomAD. At this time, the clinical significance of this variant is uncertain due to the absence of conclusive functional and genetic evidence.

NM_170699.3(GPBAR1):c.602G>A (p.Arg201Gln)

Gene: GPBAR1 (G protein-coupled bile acid receptor 1; plus strand). Cytogenetic location: 2q35.
Variant type: single nucleotide variant.
Coding change: c.602G>A on transcript NM_170699.3 (MANE Select); coding-DNA position 602, G replaced by A.
Protein change: p.Arg201Gln; replaces arginine 201 with glutamine.
Molecular consequence: missense variant.
Genome position (GRCh38, 1-based): chr2:218,263,326, G>A. VCF-style: chr2-218263326-G-A. GRCh37 (hg19) VCF-style: chr2-219128049-G-A.
Other names: c.602G>A, p.Arg201Gln (NM_001077191.2, NM_001077194.2, NM_001321950.2); c.602G>A (NM_001321950.1); short protein forms R201Q.
Identifiers: ClinVar variation 596907 (VCV000596907.7), dbSNP rs199514423, ClinGen allele CA2102632.